The following is an entry in ClinVar:

ClinVar aggregate classification (germline): Uncertain significance. Review status: criteria provided, multiple submitters, no conflicts (2 of 4 stars). 4 submissions from 4 submitters: Uncertain significance (3). 1 of the submissions does not count toward it. Last evaluated 2024-10-16.

Conditions:
Inborn genetic diseases. Identifiers: MedGen C0950123, MeSH D030342.
Glycine encephalopathy. Also called: Nonketotic hyperglycinemia; Non-ketotic hyperglycinemia. Identifiers: Orphanet 407, MedGen C0751748, MONDO:0011612, HP:0008288.

Allele frequency attached by ClinVar (database versions not stated): ExAC 0.00001; gnomAD exomes 0.00001; TOPMed 0.00001.
gnomAD v4.1: 7 of 1,613,840 alleles (0.00043%); highest among the groups gnomAD compares: Admixed American, 0.0017%; no homozygotes.

Submissions (4):

Labcorp Genetics (formerly Invitae), Labcorp
Classification: Uncertain significance for Glycine encephalopathy. Last evaluated: 2024-10-16. Review status: criteria provided, single submitter. Criteria: Invitae Variant Classification Sherloc (09022015). Collection method: clinical testing. Allele origin: germline.
Comment: This sequence change replaces arginine, which is basic and polar, with tryptophan, which is neutral and slightly polar, at codon 456 of the GLDC protein (p.Arg456Trp). This variant is present in population databases (rs773119895, gnomAD 0.002%). This variant has not been reported in the literature in individuals affected with GLDC-related conditions. ClinVar contains an entry for this variant (Variation ID: 1034743). Invitae Evidence Modeling of protein sequence and biophysical properties (such as structural, functional, and spatial information, amino acid conservation, physicochemical variation, residue mobility, and thermodynamic stability) indicates that this missense variant is expected to disrupt GLDC protein function with a positive predictive value of 95%. In summary, the available evidence is currently insufficient to determine the role of this variant in disease. Therefore, it has been classified as a Variant of Uncertain Significance.

Ambry Genetics
Classification: Uncertain significance for Inborn genetic diseases. Last evaluated: 2021-04-28. Review status: criteria provided, single submitter. Criteria: Ambry Variant Classification Scheme 2023. Collection method: clinical testing. Allele origin: germline.
Comment: The c.1366C>T (p.R456W) alteration is located in exon 10 (coding exon 10) of the GLDC gene. This alteration results from a C to T substitution at nucleotide position 1366, causing the arginine (R) at amino acid position 456 to be replaced by a tryptophan (W). The p.R456W alteration is predicted to be deleterious by in silico analysis. Based on insufficient or conflicting evidence, the clinical significance of this alteration remains unclear.

GeneDx
Classification: Uncertain significance. Last evaluated: 2019-08-20. Review status: criteria provided, single submitter. Criteria: GeneDx Variant Classification Process June 2021. Collection method: clinical testing. Allele origin: germline. Affected: yes.
Comment: Not observed at a significant frequency in large population cohorts (Lek et al., 2016); In silico analysis, which includes protein predictors and evolutionary conservation, supports a deleterious effect; Has not been previously published as pathogenic or benign to our knowledge

Natera, Inc.
Classification: Uncertain significance for Non-ketotic hyperglycinemia. Last evaluated: 2020-03-10. Review status: no assertion criteria provided. Collection method: clinical testing. Allele origin: germline. Not counted in ClinVar's aggregate classification.

NM_000170.3(GLDC):c.1366C>T (p.Arg456Trp)

Gene: GLDC (glycine decarboxylase; minus strand). Cytogenetic location: 9p24.1.
Variant type: single nucleotide variant.
Coding change: c.1366C>T on transcript NM_000170.3 (MANE Select); coding-DNA position 1366, C replaced by T.
Protein change: p.Arg456Trp; replaces arginine 456 with tryptophan.
Molecular consequence: missense variant.
Genome position (GRCh38, 1-based): chr9:6,592,886, G>A on the plus strand (C>T on the coding strand, the complement: GLDC is on the minus strand). VCF-style: chr9-6592886-G-A. GRCh37 (hg19) VCF-style: chr9-6592886-G-A.
Other names: short protein forms R456W.
Identifiers: ClinVar variation 1034743 (VCV001034743.12), dbSNP rs773119895, ClinGen allele CA4980748.